The following is an entry in ClinVar:

ClinVar aggregate classification (germline): Likely benign. Review status: criteria provided, multiple submitters, no conflicts (2 of 4 stars). 5 submissions from 5 submitters: Likely benign (5). Last evaluated 2026-03-03.

Conditions:
TTN-related disorder. Also called: TTN-related disorders; TTN-related condition; TTN-related disease.
Cardiovascular phenotype. Identifiers: MedGen CN230736.
Autosomal recessive limb-girdle muscular dystrophy type 2J (LGMDR10). Also called: Limb-girdle muscular dystrophy, type 2J; MUSCULAR DYSTROPHY, LIMB-GIRDLE, AUTOSOMAL RECESSIVE 10. Identifiers: Orphanet 140922, MedGen C1837342, MONDO:0012127, OMIM 608807.
Dilated cardiomyopathy 1G (CMD1G). Identifiers: Orphanet 154, MedGen C1858763, MONDO:0011400, OMIM 604145.

Allele frequency attached by ClinVar (database versions not stated): gnomAD exomes 0.00002 and 0.00001; gnomAD 0.00003 and 0.00002; TOPMed 0.00001; ExAC 0.00002.
gnomAD v4.1: 13 of 1,613,420 alleles (0.00081%); highest among the groups gnomAD compares: Admixed American, 0.0083%; no homozygotes.

Submissions (5):

PreventionGenetics, part of Exact Sciences
Classification: Likely benign for TTN-related condition. Last evaluated: 2026-03-03. Review status: criteria provided, single submitter. Criteria: ACMG Guidelines, 2015. Collection method: clinical testing. Allele origin: germline.
Comment: This variant is classified as likely benign based on ACMG/AMP sequence variant interpretation guidelines (Richards et al. 2015 PMID: 25741868, with internal and published modifications).

Labcorp Genetics (formerly Invitae), Labcorp
Classification: Likely benign for Dilated cardiomyopathy 1G; Autosomal recessive limb-girdle muscular dystrophy type 2J. Last evaluated: 2026-01-14. Review status: criteria provided, single submitter. Criteria: Invitae Variant Classification Sherloc (09022015). Collection method: clinical testing. Allele origin: germline.

Blueprint Genetics
Classification: Likely benign. Last evaluated: 2024-09-02. Review status: criteria provided, single submitter. Criteria: ACMG Guidelines, 2015. Collection method: clinical testing. Allele origin: germline.

GeneDx
Classification: Likely benign. Last evaluated: 2020-01-16. Review status: criteria provided, single submitter. Criteria: GeneDx Variant Classification Process June 2021. Collection method: clinical testing. Allele origin: germline. Affected: yes.

Ambry Genetics
Classification: Likely benign for Cardiovascular phenotype. Last evaluated: 2016-01-06. Review status: criteria provided, single submitter. Criteria: Ambry Variant Classification Scheme 2023. Collection method: clinical testing. Allele origin: germline.

NM_001267550.2(TTN):c.79212C>T (p.Thr26404=)

Genes: TTN-AS1 (TTN antisense RNA 1; plus strand), TTN (titin; minus strand). Cytogenetic location: 2q31.2.
Variant type: single nucleotide variant.
Coding change: c.79212C>T on transcript NM_001267550.2 (MANE Select); coding-DNA position 79212, C replaced by T.
Protein change: p.Thr26404=; no amino-acid change (threonine 26404 retained).
Molecular consequence: synonymous variant.
Genome position (GRCh38, 1-based): chr2:178,566,920, G>A on the plus strand (C>T on the coding strand, the complement: TTN is on the minus strand). VCF-style: chr2-178566920-G-A. GRCh37 (hg19) VCF-style: chr2-179431647-G-A.
Other names: c.74289C>T, p.Thr24763= (NM_001256850.1); c.52017C>T, p.Thr17339= (NM_003319.4); c.71508C>T, p.Thr23836= (NM_133378.4); c.52392C>T, p.Thr17464= (NM_133432.3); c.52593C>T, p.Thr17531= (NM_133437.4).
Identifiers: ClinVar variation 413192 (VCV000413192.19), dbSNP rs778020953, ClinGen allele CA1989504.